The following is an entry in ClinVar:

ClinVar aggregate classification (germline): Uncertain significance. Review status: criteria provided, multiple submitters, no conflicts (2 of 4 stars). 3 submissions from 3 submitters: Uncertain significance (3). Last evaluated 2025-03-31.

Conditions:
Hereditary nonpolyposis colorectal neoplasms. Identifiers: MedGen C0009405, MeSH D003123.
Hereditary cancer-predisposing syndrome. Also called: Hereditary neoplastic syndrome; Tumor predisposition; Hereditary Cancer Syndrome; Neoplastic Syndromes, Hereditary. Identifiers: Orphanet 140162, MedGen C0027672, MeSH D009386, MONDO:0015356.

Submissions (3):

Ambry Genetics
Classification: Uncertain significance for Hereditary cancer-predisposing syndrome. Last evaluated: 2025-03-31. Review status: criteria provided, single submitter. Criteria: Ambry Variant Classification Scheme 2023. Collection method: clinical testing. Allele origin: germline.
Comment: The p.K632R variant (also known as c.1895A>G), located in coding exon 4 of the MSH6 gene, results from an A to G substitution at nucleotide position 1895. The lysine at codon 632 is replaced by arginine, an amino acid with highly similar properties. This amino acid position is conserved. In addition, the in silico prediction for this alteration is inconclusive. Based on the available evidence, the clinical significance of this variant remains unclear.

Color Diagnostics, LLC DBA Color Health
Classification: Uncertain significance for Hereditary cancer-predisposing syndrome. Last evaluated: 2023-12-05. Review status: criteria provided, single submitter. Criteria: ACMG Guidelines, 2015. Collection method: clinical testing. Allele origin: germline.
Comment: This missense variant replaces lysine with arginine at codon 632 of the MSH6 protein. Computational prediction suggests that this variant may not impact protein structure and function (internally defined REVEL score threshold <= 0.5, PMID: 27666373). To our knowledge, functional studies have not been reported for this variant. This variant has not been reported in individuals affected with MSH6-related disorders in the literature. This variant has not been identified in the general population by the Genome Aggregation Database (gnomAD). The available evidence is insufficient to determine the role of this variant in disease conclusively. Therefore, this variant is classified as a Variant of Uncertain Significance.

Labcorp Genetics (formerly Invitae), Labcorp
Classification: Uncertain significance for Hereditary nonpolyposis colorectal neoplasms. Last evaluated: 2023-12-04. Review status: criteria provided, single submitter. Criteria: Invitae Variant Classification Sherloc (09022015). Collection method: clinical testing. Allele origin: germline.
Comment: This sequence change replaces lysine, which is basic and polar, with arginine, which is basic and polar, at codon 632 of the MSH6 protein (p.Lys632Arg). This variant is not present in population databases (gnomAD no frequency). This variant has not been reported in the literature in individuals affected with MSH6-related conditions. ClinVar contains an entry for this variant (Variation ID: 491887). Advanced modeling of protein sequence and biophysical properties (such as structural, functional, and spatial information, amino acid conservation, physicochemical variation, residue mobility, and thermodynamic stability) performed at Invitae indicates that this missense variant is not expected to disrupt MSH6 protein function with a negative predictive value of 95%. In summary, the available evidence is currently insufficient to determine the role of this variant in disease. Therefore, it has been classified as a Variant of Uncertain Significance.

NM_000179.3(MSH6):c.1895A>G (p.Lys632Arg)

Gene: MSH6 (mutS homolog 6; plus strand). Cytogenetic location: 2p16.3.
Variant type: single nucleotide variant.
Coding change: c.1895A>G on transcript NM_000179.3 (MANE Select); coding-DNA position 1895, A replaced by G.
Protein change: p.Lys632Arg; replaces lysine 632 with arginine.
Molecular consequence: missense variant.
Genome position (GRCh38, 1-based): chr2:47,799,878, A>G. VCF-style: chr2-47799878-A-G. GRCh37 (hg19) VCF-style: chr2-48027017-A-G.
Other names: c.1505A>G, p.Lys502Arg (NM_001281492.2); c.989A>G, p.Lys330Arg (NM_001281493.2, NM_001281494.2); short protein forms K632R, K502R, K330R.
Identifiers: ClinVar variation 491887 (VCV000491887.9), dbSNP rs750800736, ClinGen allele CA346750065.